The following is an entry in ClinVar:

ClinVar aggregate classification (germline): Uncertain significance. Review status: criteria provided, multiple submitters, no conflicts (2 of 4 stars). 2 submissions from 2 submitters: Uncertain significance (2). Last evaluated 2025-05-15.

Conditions:
Hereditary cancer-predisposing syndrome. Also called: Tumor predisposition; Hereditary Cancer Syndrome; Neoplastic Syndromes, Hereditary; Hereditary neoplastic syndrome. Identifiers: Orphanet 140162, MedGen C0027672, MeSH D009386, MONDO:0015356.
Tuberous sclerosis 1 (TSC1). Identifiers: Orphanet 805, MedGen C1854465, MONDO:0008612, OMIM 191100.

Allele frequency attached by ClinVar (database versions not stated): gnomAD exomes below 0.00001.
gnomAD v4.1: 1 of 1,614,132 alleles (0.000062%); highest among the groups gnomAD compares: East Asian, 0.0022%; no homozygotes.

Submissions (2):

Ambry Genetics
Classification: Uncertain significance for Hereditary cancer-predisposing syndrome. Last evaluated: 2025-05-15. Review status: criteria provided, single submitter. Criteria: Ambry Variant Classification Scheme 2023. Collection method: clinical testing. Allele origin: germline.
Comment: The p.G464D variant (also known as c.1391G>A), located in coding exon 12 of the TSC1 gene, results from a G to A substitution at nucleotide position 1391. The glycine at codon 464 is replaced by aspartic acid, an amino acid with similar properties. This amino acid position is conserved. In addition, this alteration is predicted to be deleterious by in silico analysis. Based on the available evidence, the clinical significance of this variant remains unclear.

Labcorp Genetics (formerly Invitae), Labcorp
Classification: Uncertain significance for Tuberous sclerosis 1. Last evaluated: 2024-01-02. Review status: criteria provided, single submitter. Criteria: Invitae Variant Classification Sherloc (09022015). Collection method: clinical testing. Allele origin: germline.
Comment: This sequence change replaces glycine, which is neutral and non-polar, with aspartic acid, which is acidic and polar, at codon 464 of the TSC1 protein (p.Gly464Asp). This variant is not present in population databases (gnomAD no frequency). This variant has not been reported in the literature in individuals affected with TSC1-related conditions. ClinVar contains an entry for this variant (Variation ID: 1015937). Advanced modeling of protein sequence and biophysical properties (such as structural, functional, and spatial information, amino acid conservation, physicochemical variation, residue mobility, and thermodynamic stability) performed at Invitae indicates that this missense variant is not expected to disrupt TSC1 protein function with a negative predictive value of 95%. In summary, the available evidence is currently insufficient to determine the role of this variant in disease. Therefore, it has been classified as a Variant of Uncertain Significance.

NM_000368.5(TSC1):c.1391G>A (p.Gly464Asp)

Gene: TSC1 (TSC complex subunit 1; minus strand). Cytogenetic location: 9q34.13.
Variant type: single nucleotide variant.
Coding change: c.1391G>A on transcript NM_000368.5 (MANE Select); coding-DNA position 1391, G replaced by A.
Protein change: p.Gly464Asp; replaces glycine 464 with aspartic acid.
Molecular consequence: missense variant.
Genome position (GRCh38, 1-based): chr9:132,906,778, C>T on the plus strand (G>A on the coding strand, the complement: TSC1 is on the minus strand). VCF-style: chr9-132906778-C-T. GRCh37 (hg19) VCF-style: chr9-135782165-C-T.
Other names: c.1388G>A, p.Gly463Asp (NM_001162426.2); c.1238G>A, p.Gly413Asp (NM_001162427.2); c.1028G>A, p.Gly343Asp (NM_001362177.2); c.1391G>A (NM_000368.4); short protein forms G343D, G413D, G463D, G464D.
Identifiers: ClinVar variation 1015937 (VCV001015937.9), dbSNP rs1845696020, ClinGen allele CA375365937.